The following continues an entry in ClinVar:

NM_007294.4(BRCA1):c.3758C>G (p.Ser1253Cys)

ClinVar aggregate classification (germline): Conflicting classifications of pathogenicity. Uncertain significance (10); Likely benign (1).

Submissions 7 to 14 of 14:

Color Diagnostics, LLC DBA Color Health
Classification: Uncertain significance for Hereditary cancer-predisposing syndrome. Last evaluated: 2024-02-08. Review status: criteria provided, single submitter. Criteria: ACMG Guidelines, 2015. Collection method: clinical testing. Allele origin: germline.
Comment: This missense variant replaces serine with cysteine at codon 1253 of the BRCA1 protein. Computational prediction suggests that this variant may not impact protein structure and function. To our knowledge, functional studies have not been reported for this variant. This variant has been reported in two individuals affected with ovarian cancer (PMID: 25036526) and in a breast cancer case-control meta-analysis in 1/60466 cases and 1/53461 unaffected individuals (PMID: 33471991; Leiden Open Variation Database DB-ID BRCA1_006306). This variant also has been detected in an individual age 70 years or older without cancer (FLOSSIES database). This variant has been identified in 5/282660 chromosomes in the general population by the Genome Aggregation Database (gnomAD). The available evidence is insufficient to determine the role of this variant in disease conclusively. Therefore, this variant is classified as a Variant of Uncertain Significance.

Quest Diagnostics Nichols Institute San Juan Capistrano
Classification: Uncertain significance. Last evaluated: 2023-07-06. Review status: criteria provided, single submitter. Criteria: Quest Diagnostics criteria. Collection method: clinical testing. Allele origin: unknown.
Comment: In the published literature, this variant has been reported in individuals with breast or ovarian cancer (PMIDs: 32885271 (2021), 25036526 (2014)). In a large-scale breast cancer association study, this variant was observed in a breast cancer case and in a control individual (see LOVD and PMID: 33471991 (2021)). In addition, this variant has been reported to be located in a region of the BRCA1 gene that is tolerant to missense sequence changes (PMID: 31911673 (2020)). The frequency of this variant in the general population, 0.000039 (5/128986 chromosomes (Genome Aggregation Database)), is uninformative in the assessment of its pathogenicity. Analysis of this variant using bioinformatics tools for the prediction of the effect of amino acid changes on protein structure and function yielded predictions that this variant is damaging. Based on the available information, we are unable to determine the clinical significance of this variant.

University of Washington Department of Laboratory Medicine, University of Washington
Classification: Likely benign for Hereditary cancer-predisposing syndrome. Last evaluated: 2023-03-23. Review status: criteria provided, single submitter. Criteria: Dines et al. (Genet Med. 2020). Collection method: curation. Allele origin: germline.
Comment: Missense variant in a coldspot region where missense variants are very unlikely to be pathogenic (PMID:31911673).

BRCA1 coldspot (exon 11 using historical exon numbering). Reclassification based on statistical prior probability

Fulgent Genetics
Classification: Uncertain significance for Familial cancer of breast; Breast-ovarian cancer, familial, susceptibility to, 1; Pancreatic cancer, susceptibility to, 4; Fanconi anemia, complementation group S. Last evaluated: 2021-08-04. Review status: criteria provided, single submitter. Criteria: ACMG Guidelines, 2015. Collection method: clinical testing. Allele origin: unknown.

CHEO Genetics Diagnostic Laboratory, Children's Hospital of Eastern Ontario
Classification: Uncertain significance for Breast and/or ovarian cancer. Last evaluated: 2018-05-31. Review status: criteria provided, single submitter. Criteria: ACMG Guidelines, 2015. Collection method: clinical testing. Allele origin: germline.

Cancer Genetics and Genomics Laboratory, British Columbia Cancer Agency
Classification: Uncertain significance for Hereditary breast ovarian cancer syndrome. Last evaluated: 2017-04-18. Review status: no assertion criteria provided. Collection method: clinical testing. Allele origin: germline. Study: The Canadian Open Genetics Repository (COGR). Not counted in ClinVar's aggregate classification.

Counsyl
Classification: Uncertain significance for Breast-ovarian cancer, familial, susceptibility to, 1. Last evaluated: 2016-07-15. Review status: no assertion criteria provided. Collection method: clinical testing. Allele origin: unknown. Not counted in ClinVar's aggregate classification.

Department of Pathology and Laboratory Medicine, Sinai Health System
Classification: Uncertain significance for Malignant tumor of breast. Review status: no assertion criteria provided. Collection method: clinical testing. Allele origin: unknown. Affected: yes. Study: The Canadian Open Genetics Repository (COGR). Not counted in ClinVar's aggregate classification.
Comment: The BRCA1 p.Ser1253Cys variant was identified in 2 of 172 proband chromosomes (frequency: 0.01) from Austrian individuals or families with ovarian cancer (Gleicher 2014); these two patients had co-occurring, unclassified BRCA2 variants. The variant was identified in dbSNP (ID: rs397509100) â€šÃ„ÃºWith Uncertain significance, untested alleleâ€šÃ„Ã¹ and ClinVar (classified as uncertain significance by Ambry Genetics, Invitae, Counsyl, and GeneDx). The variant was not identified in LOVD 3.0 or UMD-LSDB. The variant was also identified in control databases in 5 of 276974 chromosomes at a frequency of 0.00002 (Genome Aggregation Database Feb 27, 2017), observed in the European Non-Finnish population in 5 of 126476 chromosomes (freq: 0.00004), while not observed in the African, Other, Latino, Ashkenazi Jewish, East Asian, European Finnish, or South Asian populations. The p.Ser1253 residue is not conserved in mammals and computational analyses (PolyPhen-2, SIFT, AlignGVGD, BLOSUM, MutationTaster) provide inconsistent predictions regarding the impact of the Cys variant to the protein; this information is not very predictive of pathogenicity. The variant occurs outside of the splicing consensus sequence and 2 of 4 in silico or computational prediction software programs (SpliceSiteFinder, MaxEntScan, NNSPLICE, GeneSplicer) predict a greater than 10% difference in splicing; this is not very predictive of pathogenicity. In summary, based on the above information, the clinical significance of this variant cannot be determined with certainty at this time. This variant is classified as a variant of uncertain significance.

Literature cited by the submitters: PubMed 25036526 (cited by 7 submitters); PubMed 28726806 (cited by Women's Health and Genetics/Laboratory Corporation of America, LabCorp); PubMed 31642931 (cited by Women's Health and Genetics/Laboratory Corporation of America, LabCorp and Quest Diagnostics Nichols Institute San Juan Capistrano); PubMed 32885271 (cited by 4 submitters); PubMed 39096911 (cited by Women's Health and Genetics/Laboratory Corporation of America, LabCorp); PubMed 34326862 (cited by Labcorp Genetics (formerly Invitae), Labcorp); PubMed 33471991 (cited by 3 submitters); PubMed 31911673 (cited by Quest Diagnostics Nichols Institute San Juan Capistrano).